The following is an entry in ClinVar:

ClinVar aggregate classification (germline): Conflicting classifications of pathogenicity. Review status: criteria provided, conflicting classifications (1 of 4 stars). 6 submissions from 6 submitters: Uncertain significance (2); Likely benign (1). 3 of the submissions do not count toward it. Last evaluated 2025-09-23.

Conditions:
SLC26A2-related skeletal dysplasia. Identifiers: MedGen CN379209, MONDO:0100592.
Inborn genetic diseases. Identifiers: MedGen C0950123, MeSH D030342.
Multiple epiphyseal dysplasia type 4 (EDM4). Also called: Multiple Epiphyseal Dysplasia, Recessive; SLC26A2-Related Multiple Epiphyseal Dysplasia; MULTIPLE EPIPHYSEAL DYSPLASIA WITH BILAYERED PATELLAE; MULTIPLE EPIPHYSEAL DYSPLASIA WITH CLUBFOOT; MULTIPLE EPIPHYSEAL DYSPLASIA, AUTOSOMAL RECESSIVE. Identifiers: Orphanet 93307, MedGen C1847593, MONDO:0009189, OMIM 226900.
Achondrogenesis, type IB (ACG1B). Also called: Achondrogenesis Type 1B. Identifiers: Orphanet 932, Orphanet 93298, MedGen C0265274, MONDO:0010966, OMIM 600972.
Diastrophic dysplasia (DTD). Also called: Diastrophic dwarfism. Identifiers: Orphanet 628, MedGen C0220726, MONDO:0009107, OMIM 222600.
Atelosteogenesis type II (AO2). Also called: Neonatal osseous dysplasia 1; SLC26A2-Related Atelosteogenesis; NEONATAL OSSEOUS DYSPLASIA I. Identifiers: Orphanet 56304, MedGen C1850554, MONDO:0009727, OMIM 256050.

Allele frequency attached by ClinVar (database versions not stated): gnomAD 0.00003; TOPMed 0.00017; ESP Exome Variant Server 0.00023.
gnomAD v4.1: 316 of 1,613,910 alleles (0.02%); highest among the groups gnomAD compares: Non-Finnish European, 0.025%; 1 homozygote.

Submissions (6):

Myriad Genetics, Inc.
Classification: Uncertain significance for SLC26A2-related skeletal dysplasia. Last evaluated: 2025-09-23. Review status: criteria provided, single submitter. Criteria: Myriad Autosomal Dominant, Autosomal Recessive and X-Linked Classification Criteria (2023). Collection method: clinical testing. Allele origin: unknown.
Comment: NM_000112.3(SLC26A2):c.172C>T(R58C) is a missense variant classified as a variant of uncertain significance in the context of SLC26A2-related disorders. R58C has not been observed in cases with relevant disease. Relevant functional assessments of this variant are not available in the literature. Internal structural analysis of the variant is supportive of pathogenicity. R58C has been observed in referenced population frequency databases. In summary, there is insufficient evidence to classify NM_000112.3(SLC26A2):c.172C>T(R58C) as pathogenic or benign. Please note: this variant was assessed in the context of healthy population screening.

Labcorp Genetics (formerly Invitae), Labcorp
Classification: Uncertain significance for Atelosteogenesis type II; Multiple epiphyseal dysplasia type 4; Achondrogenesis, type IB; Diastrophic dysplasia. Last evaluated: 2022-09-01. Review status: criteria provided, single submitter. Criteria: Invitae Variant Classification Sherloc (09022015). Collection method: clinical testing. Allele origin: germline.
Comment: This sequence change replaces arginine, which is basic and polar, with cysteine, which is neutral and slightly polar, at codon 58 of the SLC26A2 protein (p.Arg58Cys). This variant is present in population databases (rs369318758, gnomAD 0.01%). This variant has not been reported in the literature in individuals affected with SLC26A2-related conditions. ClinVar contains an entry for this variant (Variation ID: 64383). Advanced modeling of protein sequence and biophysical properties (such as structural, functional, and spatial information, amino acid conservation, physicochemical variation, residue mobility, and thermodynamic stability) performed at Invitae indicates that this missense variant is not expected to disrupt SLC26A2 protein function. In summary, the available evidence is currently insufficient to determine the role of this variant in disease. Therefore, it has been classified as a Variant of Uncertain Significance.

Ambry Genetics
Classification: Likely benign for Inborn genetic diseases. Last evaluated: 2022-05-13. Review status: criteria provided, single submitter. Criteria: Ambry Variant Classification Scheme 2023. Collection method: clinical testing. Allele origin: germline.

Natera, Inc.
Classification: Uncertain significance for Achondrogenesis type IB. Last evaluated: 2020-09-16. Review status: no assertion criteria provided. Collection method: clinical testing. Allele origin: germline. Not counted in ClinVar's aggregate classification.

Department of Pathology and Laboratory Medicine, Sinai Health System
Classification: Uncertain significance. Review status: no assertion criteria provided. Collection method: clinical testing. Allele origin: unknown. Affected: yes. Study: The Canadian Open Genetics Repository (COGR). Not counted in ClinVar's aggregate classification.
Comment: The SLC26A2 p.Arg58Cys variant was not identified in the literature nor was it identified in the MutDB database. The variant was also identified in dbSNP (ID: rs369318758), ClinVar (reported as uncertain significance), Clinvitae, Cosmic (predicted neutral by FATHMM) and LOVD 3.0. The variant was identified in control databases in 17 of 282570 chromosomes at a frequency of 0.00006 (Genome Aggregation Database Feb 27, 2017). The variant was observed in the following populations: European (non-Finnish) in 13 of 128928 chromosomes (freq: 0.000101), African in 2 of 24946 chromosomes (freq: 0.00008), South Asian in 1 of 30614 chromosomes (freq: 0.000033) and Latino in 1 of 35434 chromosomes (freq: 0.000028), while the variant was not observed in the Ashkenazi Jewish, East Asian, European (Finnish), and Other populations. The p.Arg58 residue is not conserved in mammals and computational analyses (PolyPhen-2, SIFT, AlignGVGD, BLOSUM, and MutationTaster) provide inconsistent predictions regarding the impact to the protein; this information is not very predictive of pathogenicity. In summary, based on the above information the clinical significance of this variant cannot be determined with certainty at this time. This variant is classified as a variant of uncertain significance.

Martin Pollak Laboratory,  Beth Israel Deaconess Medical Center
Classification: Uncertain significance. Review status: no assertion criteria provided. Collection method: not provided. Allele origin: unknown. Not counted in ClinVar's aggregate classification.
Comment: Lower UCa2+ group
ClinVar note: Converted during submission from unknown to Uncertain significance.

NM_000112.4(SLC26A2):c.172C>T (p.Arg58Cys)

Gene: SLC26A2 (solute carrier family 26 member 2; plus strand). Cytogenetic location: 5q32.
Variant type: single nucleotide variant.
Coding change: c.172C>T on transcript NM_000112.4 (MANE Select); coding-DNA position 172, C replaced by T.
Protein change: p.Arg58Cys; replaces arginine 58 with cysteine.
Molecular consequence: missense variant.
Genome position (GRCh38, 1-based): chr5:149,977,824, C>T. VCF-style: chr5-149977824-C-T. GRCh37 (hg19) VCF-style: chr5-149357387-C-T.
Other names: short protein forms R58C.
Identifiers: ClinVar variation 64383 (VCV000064383.10), dbSNP rs369318758, ClinGen allele CA216019.